The following is an entry in ClinVar:

NM_003924.4(PHOX2B):c.512C>T (p.Ser171Phe)

Gene: PHOX2B (paired like homeobox 2B; minus strand). Cytogenetic location: 4p13.
Variant type: single nucleotide variant.
Coding change: c.512C>T on transcript NM_003924.4 (MANE Select); coding-DNA position 512, C replaced by T.
Protein change: p.Ser171Phe; replaces serine 171 with phenylalanine.
Molecular consequence: missense variant.
Genome position (GRCh38, 1-based): chr4:41,746,240, G>A on the plus strand (C>T on the coding strand, the complement: PHOX2B is on the minus strand). VCF-style: chr4-41746240-G-A. GRCh37 (hg19) VCF-style: chr4-41748257-G-A.
Other names: short protein forms S171F.
Identifiers: ClinVar variation 2831033 (VCV002831033.4), dbSNP rs1733896388, ClinGen allele CA356738419.

ClinVar aggregate classification (germline): Uncertain significance. Review status: criteria provided, multiple submitters, no conflicts (2 of 4 stars). 2 submissions from 2 submitters: Uncertain significance (2). Last evaluated 2023-11-25.

Conditions:
Hereditary cancer-predisposing syndrome. Also called: Neoplastic Syndromes, Hereditary; Tumor predisposition; Hereditary Cancer Syndrome; Hereditary neoplastic syndrome. Identifiers: Orphanet 140162, MedGen C0027672, MeSH D009386, MONDO:0015356.
Haddad syndrome (OHD). Also called: Ondine-Hirschsprung disease. Identifiers: Orphanet 99803, MedGen C1859049, MONDO:0020493.

Allele frequency attached by ClinVar (database versions not stated): TOPMed 0.00001.

Submissions (2):

Ambry Genetics
Classification: Uncertain significance for Hereditary cancer-predisposing syndrome. Last evaluated: 2023-11-25. Review status: criteria provided, single submitter. Criteria: Ambry Variant Classification Scheme 2023. Collection method: clinical testing. Allele origin: germline.
Comment: The p.S171F variant (also known as c.512C>T), located in coding exon 3 of the PHOX2B gene, results from a C to T substitution at nucleotide position 512. The serine at codon 171 is replaced by phenylalanine, an amino acid with highly dissimilar properties. This amino acid position is conserved. In addition, the in silico prediction for this alteration is inconclusive. Since supporting evidence is limited at this time, the clinical significance of this alteration remains unclear.

Labcorp Genetics (formerly Invitae), Labcorp
Classification: Uncertain significance for Haddad syndrome. Last evaluated: 2023-02-14. Review status: criteria provided, single submitter. Criteria: Invitae Variant Classification Sherloc (09022015). Collection method: clinical testing. Allele origin: germline.
Comment: This variant is not present in population databases (gnomAD no frequency). This variant has not been reported in the literature in individuals affected with PHOX2B-related conditions. Advanced modeling of protein sequence and biophysical properties (such as structural, functional, and spatial information, amino acid conservation, physicochemical variation, residue mobility, and thermodynamic stability) performed at Invitae indicates that this missense variant is not expected to disrupt PHOX2B protein function. In summary, the available evidence is currently insufficient to determine the role of this variant in disease. Therefore, it has been classified as a Variant of Uncertain Significance. This sequence change replaces serine, which is neutral and polar, with phenylalanine, which is neutral and non-polar, at codon 171 of the PHOX2B protein (p.Ser171Phe).